The following is an entry in ClinVar:

NM_007294.4(BRCA1):c.4903G>A (p.Glu1635Lys)

Gene: BRCA1 (BRCA1 DNA repair associated; minus strand). Cytogenetic location: 17q21.31.
Variant type: single nucleotide variant.
Coding change: c.4903G>A on transcript NM_007294.4 (MANE Select); coding-DNA position 4903, G replaced by A.
Protein change: p.Glu1635Lys; replaces glutamic acid 1635 with lysine.
Molecular consequence: missense variant. On other transcripts: non-coding transcript variant (1).
Genome position (GRCh38, 1-based): chr17:43,071,011, C>T on the plus strand (G>A on the coding strand, the complement: BRCA1 is on the minus strand). VCF-style: chr17-43071011-C-T. GRCh37 (hg19) VCF-style: chr17-41223028-C-T.
Other names: c.1474G>A, p.Glu492Lys (NM_001408423.1, NM_001408424.1, NM_001408421.1 and 1 more transcripts); c.1471G>A, p.Glu491Lys (NM_001408425.1, NM_001408426.1, NM_001408427.1 and 4 more transcripts); c.1468G>A, p.Glu490Lys (NM_001408432.1, NM_001408433.1, NM_001408434.1 and 10 more transcripts); c.1465G>A, p.Glu489Lys (NM_001408445.1, NM_001408446.1, NM_001408447.1 and 2 more transcripts); c.1459G>A, p.Glu487Lys (NM_001408451.1); c.1453G>A, p.Glu485Lys (NM_001408452.1, NM_001408453.1, NM_001408454.1 and 3 more transcripts); c.1450G>A, p.Glu484Lys (NM_001408458.1, NM_001408459.1, NM_001408460.1 and 7 more transcripts); c.4690G>A, p.Glu1564Lys (NM_001407571.1, NM_001407894.1, NM_001407895.1 and 12 more transcripts); and 70 more; short protein forms E1635K, E1656K, E1588K, E531K, E1338K, E1466K, E1506K, E1508K.
Identifiers: ClinVar variation 41829 (VCV000041829.28), dbSNP rs200432771, ClinGen allele CA003072.

ClinVar aggregate classification (germline): Conflicting classifications of pathogenicity. Review status: criteria provided, conflicting classifications (1 of 4 stars). 9 submissions from 9 submitters: Uncertain significance (4); Benign (1); Likely benign (1). 3 of the submissions do not count toward it. Last evaluated 2026-01-06.

Conditions:
BRCA1-related disorder. Also called: BRCA1-related condition.
Breast and/or ovarian cancer. Identifiers: MedGen CN221562.
Hereditary cancer-predisposing syndrome. Also called: Tumor predisposition; Neoplastic Syndromes, Hereditary; Hereditary Cancer Syndrome; Hereditary neoplastic syndrome. Identifiers: Orphanet 140162, MedGen C0027672, MeSH D009386, MONDO:0015356.
Hereditary breast ovarian cancer syndrome. Also called: Hereditary breast and ovarian cancer syndrome (HBOC); Hereditary breast and ovarian cancer syndrome; Hereditary breast and ovarian cancer; Hereditary breast and/or ovarian cancer syndrome; Breast and ovarian cancer; BRCA1- and BRCA2-Associated Hereditary Breast and Ovarian Cancer. Identifiers: Orphanet 145, MedGen C0677776, MeSH D061325, MONDO:0003582. Disease mechanism: loss of function.
Breast-ovarian cancer, familial, susceptibility to, 1 (BROVCA1). Also called: OVARIAN CANCER, SUSCEPTIBILITY TO; BRCA1 Hereditary Breast and Ovarian Cancer. Identifiers: Orphanet 145, MedGen C2676676, MONDO:0011450, OMIM 604370. Disease mechanism: loss of function.

Allele frequency attached by ClinVar (database versions not stated): gnomAD exomes below 0.00001; gnomAD 0.00001; TOPMed 0.00001.
gnomAD v4.1: 7 of 1,614,108 alleles (0.00043%); highest among the groups gnomAD compares: African/African-American, 0.0013%; no homozygotes.

Submissions (10):

Labcorp Genetics (formerly Invitae), Labcorp
Classification: Uncertain significance for Hereditary breast ovarian cancer syndrome. Last evaluated: 2026-01-06. Review status: criteria provided, single submitter. Criteria: Invitae Variant Classification Sherloc (09022015). Collection method: clinical testing. Allele origin: germline.
Comment: This sequence change replaces glutamic acid, which is acidic and polar, with lysine, which is basic and polar, at codon 1635 of the BRCA1 protein (p.Glu1635Lys). This variant is present in population databases (rs200432771, gnomAD 0.0009%). This missense change has been observed in individual(s) with ovarian cancer (PMID: 21218378). ClinVar contains an entry for this variant (Variation ID: 41829). Invitae Evidence Modeling incorporating data from in vitro experimental studies (PMID: 30209399) indicates that this missense variant is not expected to disrupt BRCA1 function with a negative predictive value of 95%. Experimental studies have shown that this missense change does not substantially affect BRCA1 function (PMID: 30209399). In summary, the available evidence is currently insufficient to determine the role of this variant in disease. Therefore, it has been classified as a Variant of Uncertain Significance.

Lupski Lab, Baylor-Hopkins CMG, Baylor College of Medicine
Classification: Benign for Breast-ovarian cancer, familial, susceptibility to, 1. Last evaluated: 2024-04-12. Review status: criteria provided, single submitter. Criteria: Dawood et al. (medRxiv. 2024). Collection method: curation. Allele origin: germline.
Comment: Each variant was annotated with functional scores from MAVE data which was translated into functional evidence codes. All other evidence codes and combining criteria were adhered to as closely as possible based on the ClinGen VCEP (Variant Curation Expert Panel) gene-specific recommendations. See Supplemental Figure 34 of final paper (Supp Fig. 28 in preprint: doi:10.1101/2024.04.11.24305690) for a table to see which lines of evidence we did not have data for. The ClinGen VCEPs are highly regarded as the gold-standard for gene-specific variant curation and are developed after extensive evaluation of the evidence by clinical and scientific experts for the particular gene to classify genomic variants on a spectrum from pathogenic to benign using the 2015 ACMG/AMP Variant Interpretation Guidelines as a backbone (PMID: 25741868). Reclassification of these VUS variants from gnomAD or All of Us focused only on variants originally prescribed as VUS in ClinVar. To ensure reproducibility, transparency, and increased throughput, all the procedures for annotating variants and assigning evidence codes were codified using Python. All code has been made freely available and is linked in the Code Availability section and all reclassified variants with evidence codes used can be found in Tables S18-19 (preprint: doi:10.1101/2024.04.11.24305690). For the MAVE data, the clinical curation and clinical strength assignment as per the ClinGen recommendations in Brnich et al. (2020) (PMID: 31892348) for or against pathogenicity or benignity of each of these MAVE datasets utilized in this study were previously published in Fayer et al. (2021) (PMID: 34793697).In brief, for BRCA1 variants, if a variant was categorized as FUNC (functional), it was assigned BS3 evidence and no PS3 evidence, whereas if it was categorized as LOF (loss of function), the variant was assigned PS3 evidence and no BS3 evidence. Variants categorized as INT (intermediate) were left unannotated. For the BRCA1 combining criteria, greater than or equal to 1 criteria of strong benign evidence was enough to reclassify the VUS as Likely Benign. This variant GRCh38:17:43071011:C>T was assigned evidence codes ['BS3', 'BP1_Strong'] and an overall classification of Benign

Baylor Genetics
Classification: Uncertain significance for Breast-ovarian cancer, familial, susceptibility to, 1. Last evaluated: 2024-03-17. Review status: criteria provided, single submitter. Criteria: ACMG Guidelines, 2015. Collection method: clinical testing. Allele origin: unknown.

GeneDx
Classification: Uncertain significance. Last evaluated: 2022-07-13. Review status: criteria provided, single submitter. Criteria: GeneDx Variant Classification Process June 2021. Collection method: clinical testing. Allele origin: germline. Affected: yes.
Comment: Published functional studies demonstrate no damaging effect: variant classified as functional based on a saturation genome editing (SGE) assay measuring cell survival (Findlay et al., 2018); In silico analysis supports that this missense variant does not alter protein structure/function; Not observed at significant frequency in large population cohorts (gnomAD); Observed in an individual with ovarian cancer (Carney et al., 2010); Also known as 5022G>A; This variant is associated with the following publications: (PMID: 22703879, 30209399, 31131967, 21218378)

CHEO Genetics Diagnostic Laboratory, Children's Hospital of Eastern Ontario
Classification: Uncertain significance for Breast and/or ovarian cancer. Last evaluated: 2021-09-23. Review status: criteria provided, single submitter. Criteria: ACMG Guidelines, 2015. Collection method: clinical testing. Allele origin: germline. Study: Canadian Open Genetics Repository.

Ambry Genetics
Classification: Likely benign for Hereditary cancer-predisposing syndrome. Last evaluated: 2021-02-17. Review status: criteria provided, single submitter. Criteria: Ambry Variant Classification Scheme 2023. Collection method: clinical testing. Allele origin: germline.

PreventionGenetics, part of Exact Sciences
Classification: Uncertain significance for BRCA1-related condition. Last evaluated: 2024-06-12. Review status: no assertion criteria provided. Collection method: clinical testing. Allele origin: germline. Not counted in ClinVar's aggregate classification.
Comment: The BRCA1 c.4903G>A variant is predicted to result in the amino acid substitution p.Glu1635Lys. This variant was observed in a patient with ovarian cancer (Table 1. Carney ME et al 2010. PubMed ID: 21218378). This variant was also reported in a patient with polyps who had a family history of pancreas cancer, colorectum, other GI cancer, polyps, and melanoma. This individual also carried  MSH6, PTEN, and BMPR1A variants (Table. S4 Bhai et al 2021. PubMed ID: 34326862). Functional studies have shown that this variant does not disrupt the function of BRCA1 (Johnston JJ et al. 2012. PubMed ID: 22703879). This variant is reported in 0.00088% of alleles in individuals of European (Non-Finnish) descent in gnomAD and has conflicting classifications of pathogenicity in ClinVar ranging from likely benign to uncertain significance. At this time, the clinical significance of this variant is uncertain due to the absence of conclusive functional and genetic evidence.

Counsyl
Classification: Uncertain significance for Breast-ovarian cancer, familial, susceptibility to, 1. Last evaluated: 2016-10-18. Review status: no assertion criteria provided. Collection method: clinical testing. Allele origin: unknown. Not counted in ClinVar's aggregate classification.

Biesecker Lab/Clinical Genomics Section, National Institutes of Health
Classification: Uncertain significance. Last evaluated: 2012-07-13. Review status: no assertion criteria provided. Collection method: research. Allele origin: germline. Affected: no. Observed: 1 variant allele. Study: ClinSeq. Not counted in ClinVar's aggregate classification.
Comment: The accession SCV000043154.1 was assigned erroneously to two variants. SCV000043154.1 represents NM_007294.3:c.4903G>A; NM_000077.4:c.150+37G>C is now represented by SCV000043254.1.
ClinVar note: Converted during submission from variant of unknown significance to Uncertain significance.

Brotman Baty Institute, University of Washington
No classification provided (evidence only). Condition: Breast-ovarian cancer, familial 1. Review status: no classification provided. Collection method: in vitro. Allele origin: not applicable. Functional consequence: functionally_normal. Not counted in ClinVar's aggregate classification.
ClinVar note: "not provided" was previously submitted as the classification for the variant. However, the classification appeared to be based only on an observation of functional data so it was converted to no classification on 2025-07-30.

Literature cited by the submitters: PubMed 21218378 (cited by Labcorp Genetics (formerly Invitae), Labcorp and Counsyl); PubMed 30209399 (cited by Labcorp Genetics (formerly Invitae), Labcorp and Ambry Genetics); PubMed 39142283 (cited by Lupski Lab, Baylor-Hopkins CMG, Baylor College of Medicine); PubMed 34793697 (cited by Lupski Lab, Baylor-Hopkins CMG, Baylor College of Medicine); DOI 10.1101/2024.04.11.24305690 (cited by Lupski Lab, Baylor-Hopkins CMG, Baylor College of Medicine); PubMed 25186627 (cited by Ambry Genetics); PubMed 27600092 (cited by Ambry Genetics).